The following is an entry in ClinVar:

NM_018941.4(CLN8):c.305G>T (p.Trp102Leu)

Gene: CLN8 (CLN8 transmembrane ER and ERGIC protein; plus strand). Cytogenetic location: 8p23.3.
Variant type: single nucleotide variant.
Coding change: c.305G>T on transcript NM_018941.4 (MANE Select); coding-DNA position 305, G replaced by T.
Protein change: p.Trp102Leu; replaces tryptophan 102 with leucine.
Molecular consequence: missense variant.
Genome position (GRCh38, 1-based): chr8:1,771,359, G>T. VCF-style: chr8-1771359-G-T. GRCh37 (hg19) VCF-style: chr8-1719525-G-T.
Other names: p.W102L:TGG>TTG; short protein forms W102L.
Identifiers: ClinVar variation 205205 (VCV000205205.4), dbSNP rs796052365, ClinGen allele CA314047.

ClinVar aggregate classification (germline): Uncertain significance. Review status: criteria provided, multiple submitters, no conflicts (2 of 4 stars). 2 submissions from 2 submitters: Uncertain significance (2). Last evaluated 2022-08-20.

Conditions:
Neuronal ceroid lipofuscinosis. Also called: Neuronal Ceroid Lipofuscinoses. Identifiers: Orphanet 216, Orphanet 79263, MedGen C0027877, MONDO:0016295. Disease mechanism: loss of function.

Allele frequency attached by ClinVar (database versions not stated): gnomAD exomes 0.00001.
gnomAD v4.1: 3 of 1,614,164 alleles (0.00019%); highest among the groups gnomAD compares: Admixed American, 0.005%; no homozygotes.

Submissions (2):

Labcorp Genetics (formerly Invitae), Labcorp
Classification: Uncertain significance for Neuronal ceroid lipofuscinosis. Last evaluated: 2022-08-20. Review status: criteria provided, single submitter. Criteria: Invitae Variant Classification Sherloc (09022015). Collection method: clinical testing. Allele origin: germline.
Comment: This sequence change replaces tryptophan, which is neutral and slightly polar, with leucine, which is neutral and non-polar, at codon 102 of the CLN8 protein (p.Trp102Leu). This variant is present in population databases (rs796052365, gnomAD 0.006%). This variant has not been reported in the literature in individuals affected with CLN8-related conditions. ClinVar contains an entry for this variant (Variation ID: 205205). Algorithms developed to predict the effect of missense changes on protein structure and function are either unavailable or do not agree on the potential impact of this missense change (SIFT: "Deleterious"; PolyPhen-2: "Benign"; Align-GVGD: "Class C0"). In summary, the available evidence is currently insufficient to determine the role of this variant in disease. Therefore, it has been classified as a Variant of Uncertain Significance.

GeneDx
Classification: Uncertain significance. Last evaluated: 2013-08-16. Review status: criteria provided, single submitter. Criteria: GeneDx Variant Classification (06012015). Collection method: clinical testing. Allele origin: germline. Affected: yes.
Comment: p.Trp102Leu (TGG>TTG): c.305 G>T in exon 2 of the CLN8 gene (NM_018941.3)The Trp102Leu missense change has not been published as a mutation, nor has it been reported as a benign polymorphism to our knowledge. It was not observed in approximately 6,500 individuals of European and African American ancestry in the NHLBI Exome Sequencing Project, indicating it is not a common benign variant in these populations. This variant is a conservative substitution of one uncharged, non-polar amino acid for another at a position that is highly conserved across species. In silico analysis is inconsistent with regard to the effect this variant may have on the protein structure/function. Therefore, based on the currently available information, it is unclear whether Trp102Leu is a disease-causing mutation or a rare benign variant. The finding of a single missense variant of unknown clinical significance makes the molecular diagnosis inconclusive. The variant is found in INFANT-EPI panel(s).